The following is an entry in ClinVar:

NM_015338.6(ASXL1):c.3586G>T (p.Ala1196Ser)

Gene: ASXL1 (ASXL transcriptional regulator 1; plus strand). Cytogenetic location: 20q11.21.
Variant type: single nucleotide variant.
Coding change: c.3586G>T on transcript NM_015338.6 (MANE Select); coding-DNA position 3586, G replaced by T.
Protein change: p.Ala1196Ser; replaces alanine 1196 with serine.
Molecular consequence: missense variant.
Genome position (GRCh38, 1-based): chr20:32,436,298, G>T. VCF-style: chr20-32436298-G-T. GRCh37 (hg19) VCF-style: chr20-31024101-G-T.
Other names: c.3403G>T, p.Ala1135Ser (NM_001363734.1); short protein forms A1135S, A1196S.
Identifiers: ClinVar variation 5030423 (VCV005030423.1).

ClinVar aggregate classification (germline): Uncertain significance (1 of 4 stars; one submission).

Conditions:
Inborn genetic diseases. Identifiers: MedGen C0950123, MeSH D030342.

Submission:

Ambry Genetics
Classification: Uncertain significance for Inborn genetic diseases. Last evaluated: 2026-08-28. Review status: criteria provided, single submitter. Criteria: Ambry Variant Classification Scheme 2023. Collection method: clinical testing. Allele origin: germline.
Comment: The p.A1196S variant (also known as c.3586G>T), located in coding exon 13 of the ASXL1 gene, results from a G to T substitution at nucleotide position 3586. The alanine at codon 1196 is replaced by serine, an amino acid with similar properties. This amino acid position is conserved. In addition, this alteration is predicted to be tolerated by in silico analysis. Based on the available evidence, the clinical significance of this variant remains unclear.